The following is an entry in ClinVar:

NM_201384.3(PLEC):c.9781T>C (p.Tyr3261His)

Gene: PLEC (plectin; minus strand). Cytogenetic location: 8q24.3.
Variant type: single nucleotide variant.
Coding change: c.9781T>C on transcript NM_201384.3 (MANE Select); coding-DNA position 9781, T replaced by C.
Protein change: p.Tyr3261His; replaces tyrosine 3261 with histidine.
Molecular consequence: missense variant.
Genome position (GRCh38, 1-based): chr8:143,920,040, A>G on the plus strand (T>C on the coding strand, the complement: PLEC is on the minus strand). VCF-style: chr8-143920040-A-G. GRCh37 (hg19) VCF-style: chr8-144994208-A-G.
Other names: c.9862T>C, p.Tyr3288His (NM_000445.5); c.9739T>C, p.Tyr3247His (NM_201378.4); c.9715T>C, p.Tyr3239His (NM_201379.3); c.10192T>C, p.Tyr3398His (NM_201380.4); c.9685T>C, p.Tyr3229His (NM_201381.3); c.9781T>C, p.Tyr3261His (NM_201382.4); c.9793T>C, p.Tyr3265His (NM_201383.3); short protein forms Y3229H, Y3239H, Y3247H, Y3261H, Y3265H, Y3288H, Y3398H.
Identifiers: ClinVar variation 1055485 (VCV001055485.12), dbSNP rs2131041335, ClinGen allele CA372506755.

ClinVar aggregate classification (germline): Uncertain significance (1 of 4 stars; one submission).

Conditions:
Epidermolysis bullosa simplex 5B, with muscular dystrophy (EBS5B). Also called: Epidermolysis bullosa simplex with muscular dystrophy; EPIDERMOLYSIS BULLOSA SIMPLEX AND LIMB-GIRDLE MUSCULAR DYSTROPHY. Identifiers: Orphanet 257, MedGen C2931072, MONDO:0009181, OMIM 226670.
Epidermolysis bullosa simplex 5C, with pyloric atresia (EBS5C). Also called: Epidermolysis bullosa simplex with pyloric atresia; PLEC-Related Epidermolysis Bullosa with Pyloric Atresia; PLEC1-Related Epidermolysis Bullosa with Pyloric Atresia. Identifiers: Orphanet 158684, MedGen C2677349, MONDO:0012807, OMIM 612138.
Epidermolysis bullosa simplex, Ogna type (EBS5A). Also called: Pidermolysis bullosa simplex 5A, Ogna type; EPIDERMOLYSIS BULLOSA SIMPLEX 5A, OGNA TYPE. Identifiers: Orphanet 79401, MedGen C0432317, MONDO:0007555, OMIM 131950.
Autosomal recessive limb-girdle muscular dystrophy type 2Q (LGMDR17). Also called: MUSCULAR DYSTROPHY, LIMB-GIRDLE, AUTOSOMAL RECESSIVE 17. Identifiers: Orphanet 254361, MedGen C3150989, MONDO:0013390, OMIM 613723.
Epidermolysis bullosa simplex with nail dystrophy (EBS5D). Identifiers: MedGen C4225309, MONDO:0014661, OMIM 616487.

Submission:

Labcorp Genetics (formerly Invitae), Labcorp
Classification: Uncertain significance for Autosomal recessive limb-girdle muscular dystrophy type 2Q; Epidermolysis bullosa simplex, Ogna type; Epidermolysis bullosa simplex with nail dystrophy; Epidermolysis bullosa simplex 5C, with pyloric atresia; Epidermolysis bullosa simplex 5B, with muscular dystrophy. Last evaluated: 2022-08-23. Review status: criteria provided, single submitter. Criteria: Invitae Variant Classification Sherloc (09022015). Collection method: clinical testing. Allele origin: germline.
Comment: In summary, the available evidence is currently insufficient to determine the role of this variant in disease. Therefore, it has been classified as a Variant of Uncertain Significance. Algorithms developed to predict the effect of missense changes on protein structure and function (SIFT, PolyPhen-2, Align-GVGD) all suggest that this variant is likely to be disruptive. ClinVar contains an entry for this variant (Variation ID: 1055485). This variant has not been reported in the literature in individuals affected with PLEC-related conditions. This variant is not present in population databases (gnomAD no frequency). This sequence change replaces tyrosine, which is neutral and polar, with histidine, which is basic and polar, at codon 3288 of the PLEC protein (p.Tyr3288His).